The following is an entry in ClinVar:

ClinVar aggregate classification (germline): Uncertain significance. Review status: criteria provided, multiple submitters, no conflicts (2 of 4 stars). 2 submissions from 2 submitters: Uncertain significance (2). Last evaluated 2025-12-08.

Conditions:
Inborn genetic diseases. Identifiers: MedGen C0950123, MeSH D030342.
Xeroderma pigmentosum, group C (XPC). Also called: Xeroderma pigmentosum, complementation group C; XERODERMA PIGMENTOSUM III; XP, GROUP C; XPC-Related Xeroderma Pigmentosum. Identifiers: Orphanet 910, MedGen C2752147, MONDO:0010211, OMIM 278720.

Allele frequency attached by ClinVar (database versions not stated): gnomAD 0.00001; ExAC 0.00002; TOPMed 0.00009.
gnomAD v4.1: 25 of 1,613,130 alleles (0.0015%); highest among the groups gnomAD compares: Admixed American, 0.0017%; no homozygotes.

Submissions (2):

Myriad Genetics, Inc.
Classification: Uncertain significance for Xeroderma pigmentosum, group C. Last evaluated: 2025-12-08. Review status: criteria provided, single submitter. Criteria: Myriad Autosomal Dominant, Autosomal Recessive and X-Linked Classification Criteria (2023). Collection method: clinical testing. Allele origin: unknown.
Comment: NM_004628.4(XPC):c.514C>G(Q172E) is a missense variant classified as a variant of uncertain significance in the context of xeroderma pigmentosum group C. Q172E has not been observed in cases with relevant disease. Relevant functional assessments of this variant are not available in the literature. Q172E has been observed in referenced population frequency databases. In summary, there is insufficient evidence to classify NM_004628.4(XPC):c.514C>G(Q172E) as pathogenic or benign. Please note: this variant was assessed in the context of healthy population screening.

Ambry Genetics
Classification: Uncertain significance for Inborn genetic diseases. Last evaluated: 2025-10-21. Review status: criteria provided, single submitter. Criteria: Ambry Variant Classification Scheme 2023. Collection method: clinical testing. Allele origin: germline.

NM_004628.5(XPC):c.514C>G (p.Gln172Glu)

Gene: XPC (XPC complex subunit, DNA damage recognition and repair factor; minus strand). Cytogenetic location: 3p25.1.
Variant type: single nucleotide variant.
Coding change: c.514C>G on transcript NM_004628.5 (MANE Select); coding-DNA position 514, C replaced by G.
Protein change: p.Gln172Glu; replaces glutamine 172 with glutamic acid.
Molecular consequence: missense variant. On other transcripts: non-coding transcript variant (1), intron variant (1).
Genome position (GRCh38, 1-based): chr3:14,168,279, G>C on the plus strand (C>G on the coding strand, the complement: XPC is on the minus strand). VCF-style: chr3-14168279-G-C. GRCh37 (hg19) VCF-style: chr3-14209779-G-C.
Other names: c.514C>G, p.Gln172Glu (NM_001354727.2, NM_001354730.2); c.496C>G, p.Gln166Glu (NM_001354729.2); c.-43-1026C>G (NM_001354726.2); short protein forms Q172E, Q166E.
Identifiers: ClinVar variation 2523081 (VCV002523081.4), dbSNP rs778940656, ClinGen allele CA2267692.
Genomic context (GRCh38, chr3:14,168,279, plus strand): 5'-CATGTGACAGGAGCCTAGAAGCAAGGGCCTAAGCTTACCTTCTTTCTCTTGTCTTCGCCT[G>C]CTCTGGCGTTTCAATCTCTATCTCCACTGGCTTCACAGGCAGAAGAGATCGAGAGAAGGC-3'
Protein context (NP_004619.3, residues 162-182): PVEIEIETPE[Gln172Glu]AKTRERSEKI